The following is an entry in ClinVar:

NM_000368.5(TSC1):c.963T>A (p.Asn321Lys)

Gene: TSC1 (TSC complex subunit 1; minus strand). Cytogenetic location: 9q34.13.
Variant type: single nucleotide variant.
Coding change: c.963T>A on transcript NM_000368.5 (MANE Select); coding-DNA position 963, T replaced by A.
Protein change: p.Asn321Lys; replaces asparagine 321 with lysine.
Molecular consequence: missense variant.
Genome position (GRCh38, 1-based): chr9:132,911,519, A>T on the plus strand (T>A on the coding strand, the complement: TSC1 is on the minus strand). VCF-style: chr9-132911519-A-T. GRCh37 (hg19) VCF-style: chr9-135786906-A-T.
Other names: c.963T>A, p.Asn321Lys (NM_001406600.1, NM_001406601.1, NM_001406602.1 and 16 more transcripts); c.810T>A, p.Asn270Lys (NM_001162427.2, NM_001406610.1, NM_001406611.1 and 2 more transcripts); c.600T>A, p.Asn200Lys (NM_001362177.2, NM_001406614.1, NM_001406615.1 and 10 more transcripts); c.12T>A, p.Asn4Lys (NM_001406626.1, NM_001406627.1, NM_001406628.1); c.-131T>A (NM_001406629.1, NM_001406630.1); short protein forms N200K, N4K, N270K, N321K.
Identifiers: ClinVar variation 2061284 (VCV002061284.4), dbSNP rs2538869609, ClinGen allele CA375368666.

ClinVar aggregate classification (germline): Uncertain significance (1 of 4 stars; one submission).

Conditions:
Tuberous sclerosis 1 (TSC1). Identifiers: Orphanet 805, MedGen C1854465, MONDO:0008612, OMIM 191100.

Submission:

Labcorp Genetics (formerly Invitae), Labcorp
Classification: Uncertain significance for Tuberous sclerosis 1. Last evaluated: 2024-06-04. Review status: criteria provided, single submitter. Criteria: Invitae Variant Classification Sherloc (09022015). Collection method: clinical testing. Allele origin: germline.
Comment: This sequence change replaces asparagine, which is neutral and polar, with lysine, which is basic and polar, at codon 321 of the TSC1 protein (p.Asn321Lys). This variant is not present in population databases (gnomAD no frequency). This variant has not been reported in the literature in individuals affected with TSC1-related conditions. ClinVar contains an entry for this variant (Variation ID: 2061284). Advanced modeling of protein sequence and biophysical properties (such as structural, functional, and spatial information, amino acid conservation, physicochemical variation, residue mobility, and thermodynamic stability) performed at Invitae indicates that this missense variant is not expected to disrupt TSC1 protein function with a negative predictive value of 95%. In summary, the available evidence is currently insufficient to determine the role of this variant in disease. Therefore, it has been classified as a Variant of Uncertain Significance.